The following is an entry in ClinVar:

ClinVar aggregate classification (germline): Uncertain significance (1 of 4 stars; one submission).

Conditions:
Joubert syndrome. Also called: JOUBERT-BOLTSHAUSER SYNDROME; Familial aplasia of the vermis. Identifiers: Orphanet 475, MedGen C5979921, MONDO:0018772.
Meckel-Gruber syndrome. Also called: Dysencephalia splachnocystica; DYSENCEPHALIA SPLANCHNOCYSTICA; GRUBER SYNDROME. Identifiers: Orphanet 564, MedGen C0265215, MONDO:0018921.

Submission:

Labcorp Genetics (formerly Invitae), Labcorp
Classification: Uncertain significance for Joubert syndrome; Meckel-Gruber syndrome. Last evaluated: 2020-01-23. Review status: criteria provided, single submitter. Criteria: Invitae Variant Classification Sherloc (09022015). Collection method: clinical testing. Allele origin: germline.
Comment: In summary, the available evidence is currently insufficient to determine the role of this variant in disease. Therefore, it has been classified as a Variant of Uncertain Significance. Algorithms developed to predict the effect of missense changes on protein structure and function (SIFT, PolyPhen-2, Align-GVGD) all suggest that this variant is likely to be tolerated, but these predictions have not been confirmed by published functional studies and their clinical significance is uncertain. This variant has not been reported in the literature in individuals with CC2D2A-related conditions. This variant is not present in population databases (ExAC no frequency). This sequence change replaces alanine with glutamic acid at codon 856 of the CC2D2A protein (p.Ala856Glu). The alanine residue is moderately conserved and there is a moderate physicochemical difference between alanine and glutamic acid.

NM_001378615.1(CC2D2A):c.2567C>A (p.Ala856Glu)

Genes: FBXL5 (F-box and leucine rich repeat protein 5; minus strand), CC2D2A (coiled-coil and C2 domain containing 2A; plus strand). Cytogenetic location: 4p15.32.
Variant type: single nucleotide variant.
Coding change: c.2567C>A on transcript NM_001378615.1 (MANE Select); coding-DNA position 2567, C replaced by A.
Protein change: p.Ala856Glu; replaces alanine 856 with glutamic acid.
Molecular consequence: missense variant.
Genome position (GRCh38, 1-based): chr4:15,555,152, C>A. VCF-style: chr4-15555152-C-A. GRCh37 (hg19) VCF-style: chr4-15556775-C-A.
Other names: c.2567C>A, p.Ala856Glu (NM_001080522.2); c.2420C>A, p.Ala807Glu (NM_001378617.1); short protein forms A856E, A807E.
Identifiers: ClinVar variation 1047087 (VCV001047087.11), dbSNP rs1719213816, ClinGen allele CA356420632.